The following is an entry in ClinVar:

ClinVar aggregate classification (germline): Uncertain significance (1 of 4 stars; one submission).

Allele frequency attached by ClinVar (database versions not stated): gnomAD exomes below 0.00001.
gnomAD v4.1: 2 of 1,613,844 alleles (0.00012%); highest among the groups gnomAD compares: Admixed American, 0.0033%; no homozygotes.

Submission:

Labcorp Genetics (formerly Invitae), Labcorp
Classification: Uncertain significance. Last evaluated: 2023-03-20. Review status: criteria provided, single submitter. Criteria: Invitae Variant Classification Sherloc (09022015). Collection method: clinical testing. Allele origin: germline.
Comment: In summary, the available evidence is currently insufficient to determine the role of this variant in disease. Therefore, it has been classified as a Variant of Uncertain Significance. Advanced modeling of protein sequence and biophysical properties (such as structural, functional, and spatial information, amino acid conservation, physicochemical variation, residue mobility, and thermodynamic stability) performed at Invitae indicates that this missense variant is not expected to disrupt ADAM9 protein function. This variant has not been reported in the literature in individuals affected with ADAM9-related conditions. This variant is present in population databases (no rsID available, gnomAD 0.006%). This sequence change replaces aspartic acid, which is acidic and polar, with tyrosine, which is neutral and polar, at codon 721 of the ADAM9 protein (p.Asp721Tyr).

NM_003816.3(ADAM9):c.2161G>T (p.Asp721Tyr)

Gene: ADAM9 (ADAM metallopeptidase domain 9; plus strand). Cytogenetic location: 8p11.22.
Variant type: single nucleotide variant.
Coding change: c.2161G>T on transcript NM_003816.3 (MANE Select); coding-DNA position 2161, G replaced by T.
Protein change: p.Asp721Tyr; replaces aspartic acid 721 with tyrosine.
Molecular consequence: missense variant. On other transcripts: non-coding transcript variant (2).
Genome position (GRCh38, 1-based): chr8:39,090,139, G>T. VCF-style: chr8-39090139-G-T. GRCh37 (hg19) VCF-style: chr8-38947658-G-T.
Other names: short protein forms D721Y.
Identifiers: ClinVar variation 2798668 (VCV002798668.3), dbSNP rs1468489145, ClinGen allele CA370749577.